The following is an entry in ClinVar:

NM_001458.5(FLNC):c.1678C>T (p.Pro560Ser)

Gene: FLNC (filamin C; plus strand). Cytogenetic location: 7q32.1.
Variant type: single nucleotide variant.
Coding change: c.1678C>T on transcript NM_001458.5 (MANE Select); coding-DNA position 1678, C replaced by T.
Protein change: p.Pro560Ser; replaces proline 560 with serine.
Molecular consequence: missense variant.
Genome position (GRCh38, 1-based): chr7:128,840,835, C>T. VCF-style: chr7-128840835-C-T. GRCh37 (hg19) VCF-style: chr7-128480889-C-T.
Other names: c.1678C>T, p.Pro560Ser (NM_001127487.2); short protein forms P560S.
Identifiers: ClinVar variation 5021952 (VCV005021952.1).

ClinVar aggregate classification (germline): Uncertain significance (1 of 4 stars; one submission).

Conditions:
Cardiovascular phenotype. Identifiers: MedGen CN230736.

gnomAD v4.1: 3 of 1,613,820 alleles (0.00019%); highest among the groups gnomAD compares: Non-Finnish European, 0.00025%; no homozygotes.

Submission:

Ambry Genetics
Classification: Uncertain significance for Cardiovascular phenotype. Last evaluated: 2026-07-19. Review status: criteria provided, single submitter. Criteria: Ambry Variant Classification Scheme 2023. Collection method: clinical testing. Allele origin: germline.
Comment: The p.P560S variant (also known as c.1678C>T), located in coding exon 11 of the FLNC gene, results from a C to T substitution at nucleotide position 1678. The proline at codon 560 is replaced by serine, an amino acid with similar properties. This amino acid position is conserved. In addition, this alteration is predicted to be deleterious by in silico analysis. Based on the available evidence, the clinical significance of this variant remains unclear.